The following is an entry in ClinVar:

ClinVar aggregate classification (germline): Uncertain significance (1 of 4 stars; one submission).

Conditions:
Cortical dysplasia-focal epilepsy syndrome (PTHSL1). Also called: Pitt-Hopkins-like syndrome 1. Identifiers: Orphanet 163681, Orphanet 221150, MedGen C2750246, MONDO:0012400, OMIM 610042.

Submission:

Labcorp Genetics (formerly Invitae), Labcorp
Classification: Uncertain significance for Cortical dysplasia-focal epilepsy syndrome. Last evaluated: 2021-09-01. Review status: criteria provided, single submitter. Criteria: Invitae Variant Classification Sherloc (09022015). Collection method: clinical testing. Allele origin: germline.
Comment: This sequence change replaces valine with glutamic acid at codon 536 of the CNTNAP2 protein (p.Val536Glu). The valine residue is moderately conserved and there is a moderate physicochemical difference between valine and glutamic acid. This variant is not present in population databases (ExAC no frequency). This variant has not been reported in the literature in individuals affected with CNTNAP2-related conditions. Algorithms developed to predict the effect of missense changes on protein structure and function are either unavailable or do not agree on the potential impact of this missense change (SIFT: "Deleterious"; PolyPhen-2: "Possibly Damaging"; Align-GVGD: "Class C0"). In summary, the available evidence is currently insufficient to determine the role of this variant in disease. Therefore, it has been classified as a Variant of Uncertain Significance.

NM_014141.6(CNTNAP2):c.1607T>A (p.Val536Glu)

Gene: CNTNAP2 (contactin associated protein 2; plus strand). Cytogenetic location: 7q35.
Variant type: single nucleotide variant.
Coding change: c.1607T>A on transcript NM_014141.6 (MANE Select); coding-DNA position 1607, T replaced by A.
Protein change: p.Val536Glu; replaces valine 536 with glutamic acid.
Molecular consequence: missense variant.
Genome position (GRCh38, 1-based): chr7:147,395,717, T>A. VCF-style: chr7-147395717-T-A. GRCh37 (hg19) VCF-style: chr7-147092809-T-A.
Other names: short protein forms V536E.
Identifiers: ClinVar variation 1013833 (VCV001013833.6), dbSNP rs1796801533, ClinGen allele CA369925621.